The following is an entry in ClinVar:

ClinVar aggregate classification (germline): Likely pathogenic (1 of 4 stars; one submission).

Conditions:
Autosomal recessive nonsyndromic hearing loss 77. Identifiers: Orphanet 90636, MedGen C2746083, MONDO:0013119, OMIM 613079.

Submission:

Myriad Genetics, Inc.
Classification: Likely pathogenic for Autosomal recessive nonsyndromic hearing loss 77. Last evaluated: 2022-03-15. Review status: criteria provided, single submitter. Criteria: Myriad Women's Health Autosomal Recessive and X-Linked Classification Criteria (2021). Collection method: clinical testing. Allele origin: unknown.
Comment: NM_144612.6(LOXHD1):c.5272_5273delAC(T1758Qfs*7) is expected to be pathogenic in the context of LOXHD1-related DFNB77 hearing loss and deafness. This variant is predicted to lead to an abnormal or absent protein product due to the creation of a premature termination codon in LOXHD1, a gene where loss-of-function variants are known to be pathogenic. Please note: this variant was assessed in the context of healthy population screening.

NM_001384474.1(LOXHD1):c.5458_5459del (p.Thr1820fs)

Gene: LOXHD1 (lipoxygenase homology PLAT domains 1; minus strand). Cytogenetic location: 18q21.1.
Variant type: Deletion.
Coding change: c.5458_5459del on transcript NM_001384474.1 (MANE Select); coding-DNA positions 5458 to 5459, 2 bases deleted (AC; older notation c.5458_5459delAC).
Protein change: p.Thr1820fs; shifts the reading frame from threonine 1820.
Molecular consequence: frameshift variant.
Genome position (GRCh38, 1-based): chr18:46,509,756-46,509,757, GT deleted on the plus strand (AC on the coding strand, the reverse complement: LOXHD1 is on the minus strand); deleting any 2 consecutive bases within chr18:46,509,756-46,509,758 gives the same sequence; the c. name uses the placement nearest the transcript's 3' end. VCF-style (leftmost placement, unchanged base first): chr18-46509755-GGT-G. GRCh37 (hg19) VCF-style: chr18-44089718-GGT-G.
Other names: c.2125_2126del, p.Thr709fs (NM_001145472.3); c.175_176del, p.Thr59fs (NM_001145473.3, NM_001173129.2); c.1837_1838del, p.Thr613fs (NM_001308013.2); c.5272_5273del, p.Thr1758fs (NM_144612.7); short protein forms T1758fs, T1820fs, T59fs, T613fs, T709fs.
Identifiers: ClinVar variation 1725311 (VCV001725311.2), dbSNP rs2511513874, ClinGen allele CA2580095729.